The following is an entry in ClinVar:

ClinVar aggregate classification (germline): Pathogenic (1 of 4 stars; one submission).

Conditions:
Immunodeficiency 104. Also called: SCID, AUTOSOMAL RECESSIVE, T CELL-NEGATIVE, B CELL-POSITIVE, NK CELL-POSITIVE; Severe combined immunodeficiency, autosomal recessive, T cell-negative, B cell-positive, NK cell-positive; Severe Combined Immune Deficiency, Autosomal Recessive, TCell -Negative, B Cell-Positive, NK Cell-Positive, IL7R-Related; IMMUNODEFICIENCY 104, SEVERE COMBINED. Identifiers: MedGen C5676890, MONDO:0012163, OMIM 608971.

Submission:

Labcorp Genetics (formerly Invitae), Labcorp
Classification: Pathogenic for Immunodeficiency 104. Last evaluated: 2024-06-08. Review status: criteria provided, single submitter. Criteria: Invitae Variant Classification Sherloc (09022015). Collection method: clinical testing. Allele origin: germline.
Comment: This sequence change creates a premature translational stop signal (p.Pro1014Glnfs*10) in the PTPRC gene. It is expected to result in an absent or disrupted protein product. Loss-of-function variants in PTPRC are known to be pathogenic (PMID: 10700239). This variant is not present in population databases (gnomAD no frequency). This variant has not been reported in the literature in individuals affected with PTPRC-related conditions. For these reasons, this variant has been classified as Pathogenic.

Literature cited by the submitters: PubMed 10700239.

NM_002838.5(PTPRC):c.3041del (p.Pro1014fs)

Gene: PTPRC (protein tyrosine phosphatase receptor type C; plus strand). Cytogenetic location: 1q32.1.
Variant type: Deletion.
Coding change: c.3041del on transcript NM_002838.5 (MANE Select); coding-DNA position 3041, one base deleted (C; older notation c.3041delC).
Protein change: p.Pro1014fs; shifts the reading frame from proline 1014.
Molecular consequence: frameshift variant.
Genome position (GRCh38, 1-based): chr1:198,749,518, C deleted; the last of 2 consecutive C bases (chr1:198,749,517-198,749,518); deleting either gives the same sequence. VCF-style (leftmost placement, unchanged base first): chr1-198749516-AC-A. GRCh37 (hg19) VCF-style: chr1-198718645-AC-A.
Other names: c.2558del, p.Pro853fs (NM_080921.4); short protein forms P1014fs, P853fs.
Identifiers: ClinVar variation 3655877 (VCV003655877.2).
Genomic context (GRCh38, chr1:198,749,516, plus strand): 5'-GAGTAAAGAGAGTGAGCATGATTCAGATGAATCCTCTGATGATGACAGTGATTCAGAGGA[AC>A]CAAGCAAATACATCAATGCATCTTTTATAATGGTAGGTACTTAAATTGCCAAAACCCAAG-3'